The following is an entry in ClinVar:

NM_019098.5(CNGB3):c.527G>A (p.Ser176Asn)

Gene: CNGB3 (cyclic nucleotide gated channel subunit beta 3; minus strand). Cytogenetic location: 8q21.3.
Variant type: single nucleotide variant.
Coding change: c.527G>A on transcript NM_019098.5 (MANE Select); coding-DNA position 527, G replaced by A.
Protein change: p.Ser176Asn; replaces serine 176 with asparagine.
Molecular consequence: missense variant.
Genome position (GRCh38, 1-based): chr8:86,668,135, C>T on the plus strand (G>A on the coding strand, the complement: CNGB3 is on the minus strand). VCF-style: chr8-86668135-C-T. GRCh37 (hg19) VCF-style: chr8-87680363-C-T.
Other names: short protein forms S176N.
Identifiers: ClinVar variation 1002922 (VCV001002922.10), dbSNP rs750225207, ClinGen allele CA4800358.

ClinVar aggregate classification (germline): Uncertain significance (1 of 4 stars; one submission).

Allele frequency attached by ClinVar (database versions not stated): gnomAD exomes below 0.00001; ExAC 0.00001.
gnomAD v4.1: 1 of 1,613,376 alleles (0.000062%); highest among the groups gnomAD compares: Non-Finnish European, 0.000085%; no homozygotes.

Submission:

Labcorp Genetics (formerly Invitae), Labcorp
Classification: Uncertain significance. Last evaluated: 2023-11-06. Review status: criteria provided, single submitter. Criteria: Invitae Variant Classification Sherloc (09022015). Collection method: clinical testing. Allele origin: germline.
Comment: This sequence change replaces serine, which is neutral and polar, with asparagine, which is neutral and polar, at codon 176 of the CNGB3 protein (p.Ser176Asn). This variant is present in population databases (rs750225207, gnomAD 0.007%). This variant has not been reported in the literature in individuals affected with CNGB3-related conditions. ClinVar contains an entry for this variant (Variation ID: 1002922). Advanced modeling of protein sequence and biophysical properties (such as structural, functional, and spatial information, amino acid conservation, physicochemical variation, residue mobility, and thermodynamic stability) performed at Invitae indicates that this missense variant is not expected to disrupt CNGB3 protein function with a negative predictive value of 80%. In summary, the available evidence is currently insufficient to determine the role of this variant in disease. Therefore, it has been classified as a Variant of Uncertain Significance.